The following is an entry in ClinVar:

NM_001009944.3(PKD1):c.10315C>T (p.Arg3439Trp)

Gene: PKD1 (polycystin 1, transient receptor potential channel interacting; minus strand). Cytogenetic location: 16p13.3.
Variant type: single nucleotide variant.
Coding change: c.10315C>T on transcript NM_001009944.3 (MANE Select); coding-DNA position 10315, C replaced by T.
Protein change: p.Arg3439Trp; replaces arginine 3439 with tryptophan.
Molecular consequence: missense variant.
Genome position (GRCh38, 1-based): chr16:2,097,409, G>A on the plus strand (C>T on the coding strand, the complement: PKD1 is on the minus strand). VCF-style: chr16-2097409-G-A. GRCh37 (hg19) VCF-style: chr16-2147410-G-A.
Other names: c.10312C>T, p.Arg3438Trp (NM_000296.4); short protein forms R3439W, R3438W.
Identifiers: ClinVar variation 403310 (VCV000403310.11), dbSNP rs374486955, ClinGen allele CA7829662.

ClinVar aggregate classification (germline): Uncertain significance. Review status: criteria provided, multiple submitters, no conflicts (2 of 4 stars). 5 submissions from 5 submitters: Uncertain significance (4). 1 of the submissions does not count toward it. Last evaluated 2022-09-13.

Conditions:
Polycystic kidney disease, adult type (PKD1). Also called: Polycystic Kidney, Autosomal Dominant; POLYCYSTIC KIDNEY DISEASE, ADULT, TYPE I; POLYCYSTIC KIDNEY DISEASE 1 WITH OR WITHOUT POLYCYSTIC LIVER DISEASE; Polycystic Kidney Disease 1, Autosomal Dominant; Polycystic kidney disease 1; Polycystic kidney disease 1, severe. Identifiers: MedGen C3149841, MONDO:0008263, OMIM 173900.
PKD1-related disorder. Also called: PKD1-related condition.

Allele frequency attached by ClinVar (database versions not stated): ESP Exome Variant Server 0.00008; gnomAD 0.00012; TOPMed 0.00015; ExAC 0.00018; gnomAD exomes 0.00019.
gnomAD v4.1: 116 of 1,609,660 alleles (0.0072%); highest among the groups gnomAD compares: East Asian, 0.056%; no homozygotes.

Submissions (5):

Clinical Genetics Laboratory, Skane University Hospital Lund
Classification: Uncertain significance. Last evaluated: 2022-09-13. Review status: criteria provided, single submitter. Criteria: ACMG Guidelines, 2015. Collection method: clinical testing. Allele origin: germline. Affected: yes.

GeneDx
Classification: Uncertain significance. Last evaluated: 2020-03-20. Review status: criteria provided, single submitter. Criteria: GeneDx Variant Classification Process June 2021. Collection method: clinical testing. Allele origin: germline. Affected: yes.
Comment: In silico analysis supports that this missense variant has a deleterious effect on protein structure/function; Observed heterozygous with R2477H on the opposite allele (in trans) in two Taiwanese siblings with mild polycystic kidney disease; however, parents and siblings who harbor either R3439W or R2477H are asymptomatic and authors suggest R3439W may be a hypomorphic allele (Chang et al., 2013); This variant is associated with the following publications: (PMID: 23985799)

Laboratory for Molecular Medicine, Mass General Brigham Personalized Medicine
Classification: Uncertain significance. Last evaluated: 2016-03-28. Review status: criteria provided, single submitter. Criteria: LMM Criteria. Collection method: clinical testing. Allele origin: germline.
Comment: Variant identified in a genome or exome case(s) and assessed due to predicted null impact of the variant or pathogenic assertions in the literature or databases. Disclaimer: This variant has not undergone full assessment. The following are preliminary notes: Homozygous null mice develop hydrops fetalis, but this is a heterozygous missense variant and still explains little of the phenotype. ExAC: 0.2% (13/8388) East Asian chromosomes.

Juno Genomics, Hangzhou Juno Genomics, Inc
Classification: Uncertain significance for Polycystic kidney disease, adult type. Review status: criteria provided, single submitter. Criteria: ACMG Guidelines, 2015. Collection method: clinical testing. Allele origin: germline.
Comment: Absent from controls (or at extremely low frequency if recessive) in Genome Aggregation Database.;Multiple lines of computational evidence suggest no impact on gene or gene product.

PreventionGenetics, part of Exact Sciences
Classification: Likely benign for PKD1-related condition. Last evaluated: 2019-08-23. Review status: no assertion criteria provided. Collection method: clinical testing. Allele origin: germline. Not counted in ClinVar's aggregate classification.
Comment: This variant is classified as likely benign based on ACMG/AMP sequence variant interpretation guidelines (Richards et al. 2015 PMID: 25741868, with internal and published modifications).